The following is an entry in ClinVar:

NM_001943.5(DSG2):c.2582C>T (p.Thr861Ile)

Genes: DSG2 (desmoglein 2; plus strand), DSG2-AS1 (DSG2 antisense RNA 1; minus strand). Cytogenetic location: 18q12.1.
Variant type: single nucleotide variant.
Coding change: c.2582C>T on transcript NM_001943.5 (MANE Select); coding-DNA position 2582, C replaced by T.
Protein change: p.Thr861Ile; replaces threonine 861 with isoleucine.
Molecular consequence: missense variant.
Genome position (GRCh38, 1-based): chr18:31,545,968, C>T. VCF-style: chr18-31545968-C-T. GRCh37 (hg19) VCF-style: chr18-29125931-C-T.
Other names: short protein forms T861I.
Identifiers: ClinVar variation 4245041 (VCV004245041.2).

ClinVar aggregate classification (germline): Uncertain significance (1 of 4 stars; one submission).

Conditions:
Cardiovascular phenotype. Identifiers: MedGen CN230736.

Submission:

Ambry Genetics
Classification: Uncertain significance for Cardiovascular phenotype. Last evaluated: 2026-09-11. Review status: criteria provided, single submitter. Criteria: Ambry Variant Classification Scheme 2023. Collection method: clinical testing. Allele origin: germline.
Comment: The p.T861I variant (also known as c.2582C>T), located in coding exon 15 of the DSG2 gene, results from a C to T substitution at nucleotide position 2582. The threonine at codon 861 is replaced by isoleucine, an amino acid with similar properties. This amino acid position is conserved. In addition, this alteration is predicted to be tolerated by in silico analysis. Based on the available evidence, the clinical significance of this variant remains unclear.